The following is an entry in ClinVar:

ClinVar aggregate classification (germline): Uncertain significance. Review status: criteria provided, single submitter (1 of 4 stars). 2 submissions from 2 submitters: Uncertain significance (1). 1 of the submissions does not count toward it. Last evaluated 2021-03-27.

Conditions:
Alpha thalassemia-X-linked intellectual disability syndrome (ATRX). Also called: ATR-X syndrome; Alpha thalassemia mental retardation syndrome, nondeletion type, X-linked; XLMR hypotonic face syndrome; X-linked alpha-thalassemia-mental retardation syndrome; ALPHA-THALASSEMIA/IMPAIRED INTELLECTUAL DEVELOPMENT SYNDROME, X-LINKED; ALPHA-THALASSEMIA/MENTAL RETARDATION SYNDROME, X-LINKED. Identifiers: Orphanet 847, MedGen C1845055, MONDO:0010519, OMIM 301040.

gnomAD v4.1: 1 of 1,206,286 alleles (0.000083%); highest among the groups gnomAD compares: Non-Finnish European, 0.00011%; no homozygotes.

Submissions (2):

Labcorp Genetics (formerly Invitae), Labcorp
Classification: Uncertain significance for Alpha thalassemia-X-linked intellectual disability syndrome. Last evaluated: 2021-03-27. Review status: criteria provided, single submitter. Criteria: Invitae Variant Classification Sherloc (09022015). Collection method: clinical testing. Allele origin: germline.
Comment: This sequence change replaces histidine with tyrosine at codon 406 of the ATRX protein (p.His406Tyr). The histidine residue is highly conserved and there is a moderate physicochemical difference between histidine and tyrosine. This variant is not present in population databases (ExAC no frequency). This variant has not been reported in the literature in individuals with ATRX-related conditions. Advanced modeling of protein sequence and biophysical properties (such as structural, functional, and spatial information, amino acid conservation, physicochemical variation, residue mobility, and thermodynamic stability) performed at Invitae indicates that this missense variant is expected to disrupt ATRX protein function. In summary, the available evidence is currently insufficient to determine the role of this variant in disease. Therefore, it has been classified as a Variant of Uncertain Significance.

Natera, Inc.
Classification: Uncertain significance for X-linked alpha-thalassemia-mental retardation syndrome. Last evaluated: 2025-01-09. Review status: no assertion criteria provided. Collection method: clinical testing. Allele origin: germline. Not counted in ClinVar's aggregate classification.

NM_000489.6(ATRX):c.1216C>T (p.His406Tyr)

Gene: ATRX (ATRX chromatin remodeler; minus strand). Cytogenetic location: Xq21.1.
Variant type: single nucleotide variant.
Coding change: c.1216C>T on transcript NM_000489.6 (MANE Select); coding-DNA position 1216, C replaced by T.
Protein change: p.His406Tyr; replaces histidine 406 with tyrosine.
Molecular consequence: missense variant.
Genome position (GRCh38, 1-based): chrX:77,684,040, G>A on the plus strand (C>T on the coding strand, the complement: ATRX is on the minus strand). VCF-style: chrX-77684040-G-A. GRCh37 (hg19) VCF-style: chrX-76939532-G-A.
Other names: c.1102C>T, p.His368Tyr (NM_138270.5); c.1216C>T (NM_000489.5); short protein forms H368Y, H406Y.
Identifiers: ClinVar variation 1382519 (VCV001382519.9), dbSNP rs2148627971, ClinGen allele CA413719043.